The following is an entry in ClinVar:

NM_000168.6(GLI3):c.3477del (p.Ile1160fs)

Gene: GLI3 (GLI family zinc finger 3; minus strand). Cytogenetic location: 7p14.1.
Variant type: Deletion.
Coding change: c.3477del on transcript NM_000168.6 (MANE Select); coding-DNA position 3477, one base deleted (C; older notation c.3477delC).
Protein change: p.Ile1160fs; shifts the reading frame from isoleucine 1160.
Molecular consequence: frameshift variant.
Genome position (GRCh38, 1-based): chr7:41,965,596, G deleted on the plus strand (C on the coding strand, the reverse complement: GLI3 is on the minus strand); the first of 3 consecutive G bases (chr7:41,965,596-41,965,598); deleting any one gives the same sequence. VCF-style (leftmost placement, unchanged base first): chr7-41965595-TG-T. GRCh37 (hg19) VCF-style: chr7-42005193-TG-T.
Other names: short protein forms I1160fs.
Identifiers: ClinVar variation 3751306 (VCV003751306.2).

ClinVar aggregate classification (germline): Pathogenic (1 of 4 stars; one submission).

Conditions:
Pallister-Hall syndrome (PHS). Also called: HYPOTHALAMIC HAMARTOBLASTOMA, HYPOPITUITARISM, IMPERFORATE ANUS, AND POSTAXIAL POLYDACTYLY; GLI3-Related Pallister-Hall Syndrome. Identifiers: Orphanet 672, MedGen C0265220, MONDO:0007804, OMIM 146510.
Greig cephalopolysyndactyly syndrome (GCPS). Also called: GLI3-Related Greig Cephalopolysyndactyly Syndrome; POLYSYNDACTYLY WITH PECULIAR SKULL SHAPE; Greig syndrome. Identifiers: Orphanet 380, MedGen C0265306, MONDO:0008287, OMIM 175700.

Submission:

Labcorp Genetics (formerly Invitae), Labcorp
Classification: Pathogenic for Pallister-Hall syndrome; Greig cephalopolysyndactyly syndrome. Last evaluated: 2024-09-17. Review status: criteria provided, single submitter. Criteria: Invitae Variant Classification Sherloc (09022015). Collection method: clinical testing. Allele origin: germline.
Comment: This sequence change creates a premature translational stop signal (p.Ile1160Phefs*46) in the GLI3 gene. While this is not anticipated to result in nonsense mediated decay, it is expected to disrupt the last 421 amino acid(s) of the GLI3 protein. This variant is not present in population databases (gnomAD no frequency). This premature translational stop signal has been observed in individual(s) with clinical features of autosomal dominant Greig cephalopolysyndactyly syndrome (PMID: 20672375). This variant disrupts a region of the GLI3 protein in which other variant(s) (p.Thr1488Lysfs*23) have been determined to be pathogenic (PMID: 24736735). This suggests that this is a clinically significant region of the protein, and that variants that disrupt it are likely to be disease-causing. For these reasons, this variant has been classified as Pathogenic.

Literature cited by the submitters: PubMed 20672375; PubMed 24736735.